The following is an entry in ClinVar:

NM_001363711.2(DUOX2):c.2597T>G (p.Met866Arg)

Gene: DUOX2 (dual oxidase 2; minus strand). Cytogenetic location: 15q21.1.
Variant type: single nucleotide variant.
Coding change: c.2597T>G on transcript NM_001363711.2 (MANE Select); coding-DNA position 2597, T replaced by G.
Protein change: p.Met866Arg; replaces methionine 866 with arginine.
Molecular consequence: missense variant.
Genome position (GRCh38, 1-based): chr15:45,104,017, A>C on the plus strand (T>G on the coding strand, the complement: DUOX2 is on the minus strand). VCF-style: chr15-45104017-A-C. GRCh37 (hg19) VCF-style: chr15-45396215-A-C.
Other names: c.2597T>G, p.Met866Arg (NM_014080.5); short protein forms M866R.
Identifiers: ClinVar variation 885092 (VCV000885092.13), dbSNP rs200948626, ClinGen allele CA7538206.
Genomic context (GRCh38, chr15:45,104,017, plus strand): 5'-TACCGCATCATGGTGAAGAATTCGTCCTTGGAGAGGAAGCCATTCTCATCCAGGTCATAC[A>C]TGGTAAACATTAGACGGGACTTATCCTCTGGGGAGCCTGGGAAGAAAAAAGGGAATGCAG-3'
Protein context (NP_001350640.1, residues 856-876): PEDKSRLMFT[Met866Arg]YDLDENGFLS

ClinVar aggregate classification (germline): Conflicting classifications of pathogenicity. Review status: criteria provided, conflicting classifications (1 of 4 stars). 5 submissions from 5 submitters: Likely pathogenic (3); Uncertain significance (2). Last evaluated 2026-08-06.

Conditions:
Thyroid dyshormonogenesis 6 (TDH6). Also called: THYROID HORMONOGENESIS, GENETIC DEFECT IN, 6; Genetic transient congenital hypothyroidism; HYPOTHYROIDISM, CONGENITAL, DUE TO DYSHORMONOGENESIS, 6. Identifiers: Orphanet 226316, Orphanet 95716, MedGen C1846632, MONDO:0011792, OMIM 607200.

Allele frequency attached by ClinVar (database versions not stated): gnomAD exomes 0.00008 and 0.00010; gnomAD 0.00009 and 0.00010; ESP Exome Variant Server 0.00008; ExAC 0.00010; TOPMed 0.00011.
gnomAD v4.1: 133 of 1,614,068 alleles (0.0082%); highest among the groups gnomAD compares: Admixed American, 0.022%; no homozygotes.

Submissions (5):

OLLIN Analises Genomicas, OLLIN
Classification: Likely pathogenic for Thyroid dyshormonogenesis 6. Last evaluated: 2026-08-06. Review status: criteria provided, single submitter. Criteria: ACMG Guidelines 2015 PMID 25741868. Collection method: clinical testing. Allele origin: germline. Inheritance: Autosomal recessive inheritance.
Comment: This missense variant, located in exon 20 (of 34), has been reported in ClinVar (accession VCV000885092.11), in gnomAD with an allele frequency of 0.0082%, and in the scientific literature, in compound heterozygosity, in individuals with DUOX2 related disorders (PMID: 24423310, 34426522, 31030636, 31287502). Functional studies suggest that this variant may affect protein function, and in silico analysis predicts a deleterious effect (PMID: 24423310). According to the currently available evidence, this variant has been classified as likely pathogenic (PS3_P, PM2_P, PM3_S, PP3_M).

Dasa
Classification: Likely pathogenic. Last evaluated: 2026-02-26. Review status: criteria provided, single submitter. Criteria: DASA Assertion Criteria. Collection method: clinical testing. Allele origin: germline.
Comment: NM_001363711.2(DUOX2):c.2597T>G (p.Met866Arg) is a missense variant that results in the substitution of methionine with arginine. Segregation data support an association with disease in the reported family/families. This variant has been recurrently observed in individuals with DUOX2-related disorders (PMID: 34248839; PMID: 24423310; PMID: 31030636). Functional evidence supports an impact on the gene or gene product. Also, this variant is rare in population databases. Computational evidence supports a deleterious effect. Based on the currently available evidence, this variant is classified as likely pathogenic.

Labcorp Genetics (formerly Invitae), Labcorp
Classification: Uncertain significance. Last evaluated: 2026-01-14. Review status: criteria provided, single submitter. Criteria: Invitae Variant Classification Sherloc (09022015). Collection method: clinical testing. Allele origin: germline.
Comment: This sequence change replaces methionine, which is neutral and non-polar, with arginine, which is basic and polar, at codon 866 of the DUOX2 protein (p.Met866Arg). This variant is present in population databases (rs200948626, gnomAD 0.02%). This missense change has been observed in individual(s) with congenital hypothyroidism (PMID: 24423310, 31030636, 34248839). ClinVar contains an entry for this variant (Variation ID: 885092). Invitae Evidence Modeling of protein sequence and biophysical properties (such as structural, functional, and spatial information, amino acid conservation, physicochemical variation, residue mobility, and thermodynamic stability) indicates that this missense variant is expected to disrupt DUOX2 protein function with a positive predictive value of 80%. Experimental studies have shown that this missense change affects DUOX2 function (PMID: 24423310). Algorithms developed to predict the effect of sequence changes on RNA splicing suggest that this variant may create or strengthen a splice site. In summary, the available evidence is currently insufficient to determine the role of this variant in disease. Therefore, it has been classified as a Variant of Uncertain Significance.

GeneDx
Classification: Likely pathogenic. Last evaluated: 2024-01-05. Review status: criteria provided, single submitter. Criteria: GeneDx Variant Classification Process June 2021. Collection method: clinical testing. Allele origin: germline. Affected: yes.
Comment: Identified in the heterozygous state in a patient with congenital hypothyroidism, but the patient also harbored a variant in the TG gene (PMID: 34248839); Published functional studies demonstrate complete loss of function (PMID: 24423310); In silico analysis supports a deleterious effect on splicing; In silico analysis supports that this missense variant has a deleterious effect on protein structure/function; This variant is associated with the following publications: (PMID: 34426522, 31030636, 31287502, 24423310, 34248839)

Illumina Laboratory Services, Illumina
Classification: Uncertain significance for Thyroid dyshormonogenesis 6. Last evaluated: 2018-01-12. Review status: criteria provided, single submitter. Criteria: ICSL Variant Classification Criteria 13 December 2019. Collection method: clinical testing. Allele origin: germline.

Literature cited by the submitters: PubMed 24423310 (cited by 3 submitters); PubMed 34426522 (cited by OLLIN Analises Genomicas, OLLIN); PubMed 31030636 (cited by 3 submitters); PubMed 31287502 (cited by OLLIN Analises Genomicas, OLLIN); PubMed 34248839 (cited by Dasa and Labcorp Genetics (formerly Invitae), Labcorp).